The following is an entry in ClinVar:

ClinVar aggregate classification (germline): Uncertain significance (1 of 4 stars; one submission).

Conditions:
Fanconi anemia (FA). Also called: Fanconi's anemia. Identifiers: Orphanet 84, MedGen C0015625, MeSH D005199, MONDO:0019391.

Submission:

Labcorp Genetics (formerly Invitae), Labcorp
Classification: Uncertain significance for Fanconi anemia. Last evaluated: 2022-08-09. Review status: criteria provided, single submitter. Criteria: Invitae Variant Classification Sherloc (09022015). Collection method: clinical testing. Allele origin: germline.
Comment: In summary, the available evidence is currently insufficient to determine the role of this variant in disease. Therefore, it has been classified as a Variant of Uncertain Significance. Experimental studies and prediction algorithms are not available or were not evaluated, and the functional significance of this variant is currently unknown. This variant, c.2745_2747del, results in the deletion of 1 amino acid(s) of the FANCI protein (p.Phe916del), but otherwise preserves the integrity of the reading frame. This variant is not present in population databases (gnomAD no frequency). This variant has not been reported in the literature in individuals affected with FANCI-related conditions.

NM_001113378.2(FANCI):c.2745_2747del (p.Phe916del)

Gene: FANCI (FA complementation group I; plus strand). Cytogenetic location: 15q26.1.
Variant type: Deletion.
Coding change: c.2745_2747del on transcript NM_001113378.2 (MANE Select); coding-DNA positions 2745 to 2747, 3 bases deleted (ATT; older notation c.2745_2747delATT).
Protein change: p.Phe916del; deletes phenylalanine 916.
Molecular consequence: inframe deletion.
Genome position (GRCh38, 1-based): chr15:89,299,908-89,299,910, ATT deleted; deleting any 3 consecutive bases within chr15:89,299,907-89,299,910 gives the same sequence; the c. name uses the placement nearest the transcript's 3' end. VCF-style (leftmost placement, unchanged base first): chr15-89299906-ATAT-A. GRCh37 (hg19) VCF-style: chr15-89843137-ATAT-A.
Other names: c.2466_2468del, p.Phe823del (NM_001376910.1); c.2745_2747del, p.Phe916del (NM_001376911.1); c.2565_2567del, p.Phe856del (NM_018193.3); short protein forms F856del, F823del, F916del.
Identifiers: ClinVar variation 2022688 (VCV002022688.4), dbSNP rs2507840814, ClinGen allele CA2580090283.